The following is an entry in ClinVar:

NM_144508.5(KNL1):c.5569G>A (p.Glu1857Lys)

Gene: KNL1 (kinetochore scaffold 1; plus strand). Cytogenetic location: 15q15.1.
Variant type: single nucleotide variant.
Coding change: c.5569G>A on transcript NM_144508.5 (MANE Select); coding-DNA position 5569, G replaced by A.
Protein change: p.Glu1857Lys; replaces glutamic acid 1857 with lysine.
Molecular consequence: missense variant.
Genome position (GRCh38, 1-based): chr15:40,628,664, G>A. VCF-style: chr15-40628664-G-A. GRCh37 (hg19) VCF-style: chr15-40920862-G-A.
Other names: c.5647G>A, p.Glu1883Lys (NM_170589.5); short protein forms E1857K, E1883K.
Identifiers: ClinVar variation 2663624 (VCV002663624.1), dbSNP rs779377892, ClinGen allele CA7483416.

ClinVar aggregate classification (germline): Uncertain significance (1 of 4 stars; one submission).

Allele frequency attached by ClinVar (database versions not stated): TOPMed below 0.00001; ExAC 0.00001; gnomAD 0.00001.

Submission:

GeneDx
Classification: Uncertain significance. Last evaluated: 2023-05-02. Review status: criteria provided, single submitter. Criteria: GeneDx Variant Classification Process June 2021. Collection method: clinical testing. Allele origin: germline. Affected: yes.
Comment: Not observed at significant frequency in large population cohorts (gnomAD); In silico analysis supports that this missense variant does not alter protein structure/function; Has not been previously published as pathogenic or benign to our knowledge